The following is an entry in ClinVar:

ClinVar aggregate classification (germline): Uncertain significance. Review status: criteria provided, multiple submitters, no conflicts (2 of 4 stars). 2 submissions from 2 submitters: Uncertain significance (2). Last evaluated 2023-06-06.

Conditions:
Inborn genetic diseases. Identifiers: MedGen C0950123, MeSH D030342.

Allele frequency attached by ClinVar (database versions not stated): gnomAD exomes below 0.00001.
gnomAD v4.1: 2 of 1,614,228 alleles (0.00012%); highest among the groups gnomAD compares: Non-Finnish European, 0.00017%; no homozygotes.

Submissions (2):

Ambry Genetics
Classification: Uncertain significance for Inborn genetic diseases. Last evaluated: 2023-06-06. Review status: criteria provided, single submitter. Criteria: Ambry Variant Classification Scheme 2023. Collection method: clinical testing. Allele origin: germline.

Labcorp Genetics (formerly Invitae), Labcorp
Classification: Uncertain significance. Last evaluated: 2023-04-10. Review status: criteria provided, single submitter. Criteria: Invitae Variant Classification Sherloc (09022015). Collection method: clinical testing. Allele origin: germline.
Comment: This variant is not present in population databases (gnomAD no frequency). This sequence change replaces glutamic acid, which is acidic and polar, with aspartic acid, which is acidic and polar, at codon 93 of the C1QBP protein (p.Glu93Asp). This variant has not been reported in the literature in individuals affected with C1QBP-related conditions. In summary, the available evidence is currently insufficient to determine the role of this variant in disease. Therefore, it has been classified as a Variant of Uncertain Significance. Advanced modeling of protein sequence and biophysical properties (such as structural, functional, and spatial information, amino acid conservation, physicochemical variation, residue mobility, and thermodynamic stability) performed at Invitae indicates that this missense variant is expected to disrupt C1QBP protein function.

NM_001212.4(C1QBP):c.279A>C (p.Glu93Asp)

Gene: C1QBP (complement C1q binding protein; minus strand). Cytogenetic location: 17p13.2.
Variant type: single nucleotide variant.
Coding change: c.279A>C on transcript NM_001212.4 (MANE Select); coding-DNA position 279, A replaced by C.
Protein change: p.Glu93Asp; replaces glutamic acid 93 with aspartic acid.
Molecular consequence: missense variant.
Genome position (GRCh38, 1-based): chr17:5,438,227, T>G on the plus strand (A>C on the coding strand, the complement: C1QBP is on the minus strand). VCF-style: chr17-5438227-T-G. GRCh37 (hg19) VCF-style: chr17-5341547-T-G.
Other names: short protein forms E93D.
Identifiers: ClinVar variation 2557997 (VCV002557997.5), dbSNP rs2507769943, ClinGen allele CA397373389.